The following is an entry in ClinVar:

NM_014003.4(DHX38):c.2108A>C (p.His703Pro)

Gene: DHX38 (DEAH-box helicase 38; plus strand). Cytogenetic location: 16q22.2.
Variant type: single nucleotide variant.
Coding change: c.2108A>C on transcript NM_014003.4 (MANE Select); coding-DNA position 2108, A replaced by C.
Protein change: p.His703Pro; replaces histidine 703 with proline.
Molecular consequence: missense variant.
Genome position (GRCh38, 1-based): chr16:72,104,583, A>C. VCF-style: chr16-72104583-A-C. GRCh37 (hg19) VCF-style: chr16-72138482-A-C.
Other names: c.2108A>C (NM_014003.3); short protein forms H703P.
Identifiers: ClinVar variation 2122159 (VCV002122159.5), dbSNP rs760573885, ClinGen allele CA396710752.

ClinVar aggregate classification (germline): Uncertain significance (1 of 4 stars; one submission).

Conditions:
Retinitis pigmentosa 84 (RP84). Identifiers: MedGen C4748725, MONDO:0032604, OMIM 618220.

Submission:

Labcorp Genetics (formerly Invitae), Labcorp
Classification: Uncertain significance. Last evaluated: 2022-04-06. Review status: criteria provided, single submitter. Criteria: Invitae Variant Classification Sherloc (09022015). Collection method: clinical testing. Allele origin: germline.
Comment: In summary, the available evidence is currently insufficient to determine the role of this variant in disease. Therefore, it has been classified as a Variant of Uncertain Significance. Algorithms developed to predict the effect of missense changes on protein structure and function (SIFT, PolyPhen-2, Align-GVGD) all suggest that this variant is likely to be tolerated. This variant has not been reported in the literature in individuals affected with DHX38-related conditions. This variant is not present in population databases (gnomAD no frequency). This sequence change replaces histidine, which is basic and polar, with proline, which is neutral and non-polar, at codon 703 of the DHX38 protein (p.His703Pro).